The following is an entry in ClinVar:

ClinVar aggregate classification (germline): Uncertain significance (1 of 4 stars; one submission).

Conditions:
Hyperaldosteronism, familial, type IV (HALD4). Also called: FH IV; ALDOSTERONISM, PRIMARY, AND HYPERTENSION. Identifiers: Orphanet 642671, MedGen C4310756, MONDO:0014875, OMIM 617027.
Idiopathic generalized epilepsy. Also called: Generalised epilepsy; EIG. Identifiers: MedGen C0270850, MONDO:0005579, OMIM 600669.

gnomAD v4.1: 1 of 1,598,240 alleles (0.000063%); highest among the groups gnomAD compares: Non-Finnish European, 0.000085%; no homozygotes.

Submission:

Labcorp Genetics (formerly Invitae), Labcorp
Classification: Uncertain significance for Idiopathic generalized epilepsy; Hyperaldosteronism, familial, type IV. Last evaluated: 2025-02-15. Review status: criteria provided, single submitter. Criteria: Invitae Variant Classification Sherloc (09022015). Collection method: clinical testing. Allele origin: germline.
Comment: This sequence change replaces asparagine, which is neutral and polar, with serine, which is neutral and polar, at codon 1025 of the CACNA1H protein (p.Asn1025Ser). This variant is not present in population databases (gnomAD no frequency). This variant has not been reported in the literature in individuals affected with CACNA1H-related conditions. Invitae Evidence Modeling of protein sequence and biophysical properties (such as structural, functional, and spatial information, amino acid conservation, physicochemical variation, residue mobility, and thermodynamic stability) indicates that this missense variant is not expected to disrupt CACNA1H protein function with a negative predictive value of 80%. In summary, the available evidence is currently insufficient to determine the role of this variant in disease. Therefore, it has been classified as a Variant of Uncertain Significance.

NM_021098.3(CACNA1H):c.3074A>G (p.Asn1025Ser)

Gene: CACNA1H (calcium voltage-gated channel subunit alpha1 H; plus strand). Cytogenetic location: 16p13.3.
Variant type: single nucleotide variant.
Coding change: c.3074A>G on transcript NM_021098.3 (MANE Select); coding-DNA position 3074, A replaced by G.
Protein change: p.Asn1025Ser; replaces asparagine 1025 with serine.
Molecular consequence: missense variant.
Genome position (GRCh38, 1-based): chr16:1,207,780, A>G. VCF-style: chr16-1207780-A-G. GRCh37 (hg19) VCF-style: chr16-1257780-A-G.
Other names: c.3074A>G, p.Asn1025Ser (NM_001005407.2); short protein forms N1025S.
Identifiers: ClinVar variation 4789183 (VCV004789183.1).
Genomic context (GRCh38, chr16:1,207,780, plus strand): 5'-TCCCCACTCACGGGGCCCCTCATGCCTGCCTTGTGCTTTGTTGGGTTTAGGGCGATGCCA[A>G]CAGATCCGACACGGACGAGGACAAGACGTCGGTCCACTTCGAGGAGGACTTCCACAAGCT-3'
Protein context (NP_066921.2, residues 1015-1035): VEGFQAEGDA[Asn1025Ser]RSDTDEDKTS